The following is an entry in ClinVar:

NM_001042492.3(NF1):c.7240C>T (p.His2414Tyr)

Gene: NF1 (neurofibromin 1; plus strand). Cytogenetic location: 17q11.2.
Variant type: single nucleotide variant.
Coding change: c.7240C>T on transcript NM_001042492.3 (MANE Select); coding-DNA position 7240, C replaced by T.
Protein change: p.His2414Tyr; replaces histidine 2414 with tyrosine.
Molecular consequence: missense variant.
Genome position (GRCh38, 1-based): chr17:31,349,170, C>T. VCF-style: chr17-31349170-C-T. GRCh37 (hg19) VCF-style: chr17-29676188-C-T.
Other names: c.7177C>T, p.His2393Tyr (NM_000267.4); short protein forms H2393Y, H2414Y.
Identifiers: ClinVar variation 860996 (VCV000860996.9), dbSNP rs2070075234, ClinGen allele CA399016755.

ClinVar aggregate classification (germline): Conflicting classifications of pathogenicity. Review status: criteria provided, conflicting classifications (1 of 4 stars). 2 submissions from 2 submitters: Uncertain significance (1); Benign (1). Last evaluated 2025-11-24.

Conditions:
Hereditary cancer-predisposing syndrome. Also called: Hereditary neoplastic syndrome; Tumor predisposition; Neoplastic Syndromes, Hereditary; Hereditary Cancer Syndrome. Identifiers: Orphanet 140162, MedGen C0027672, MeSH D009386, MONDO:0015356.
Cardiovascular phenotype. Identifiers: MedGen CN230736.
Neurofibromatosis, type 1 (NF1). Also called: Neurofibromatosis, type I; VON RECKLINGHAUSEN DISEASE; Peripheral type neurofibromatosis; NEUROFIBROMATOSIS, TYPE I, SOMATIC. Identifiers: Orphanet 636, MedGen C0027831, MONDO:0018975, OMIM 162200. Disease mechanism: loss of function.

Allele frequency attached by ClinVar (database versions not stated): gnomAD exomes below 0.00001.
gnomAD v4.1: 1 of 1,612,098 alleles (0.000062%); highest among the groups gnomAD compares: Non-Finnish European, 0.000085%; no homozygotes.

Submissions (2):

Labcorp Genetics (formerly Invitae), Labcorp
Classification: Benign for Neurofibromatosis, type 1. Last evaluated: 2025-11-24. Review status: criteria provided, single submitter. Criteria: Invitae Variant Classification Sherloc (09022015). Collection method: clinical testing. Allele origin: germline.

Ambry Genetics
Classification: Uncertain significance for Cardiovascular phenotype; Hereditary cancer-predisposing syndrome. Last evaluated: 2021-02-15. Review status: criteria provided, single submitter. Criteria: Ambry Variant Classification Scheme 2023. Collection method: clinical testing. Allele origin: germline.
Comment: The p.H2393Y variant (also known as c.7177C>T), located in coding exon 48 of the NF1 gene, results from a C to T substitution at nucleotide position 7177. The histidine at codon 2393 is replaced by tyrosine, an amino acid with similar properties. This amino acid position is highly conserved in available vertebrate species. In addition, the in silico prediction for this alteration is inconclusive. Since supporting evidence is limited at this time, the clinical significance of this alteration remains unclear.